The following is an entry in ClinVar:

ClinVar aggregate classification (germline): Uncertain significance. Review status: criteria provided, multiple submitters, no conflicts (2 of 4 stars). 3 submissions from 3 submitters: Uncertain significance (3). Last evaluated 2025-10-07.

Conditions:
Noonan syndrome (NS). Also called: Noonan's syndrome. Identifiers: Orphanet 648, MedGen C0028326, MeSH D009634, MONDO:0018997. Disease mechanism: gain of function.

Allele frequency attached by ClinVar (database versions not stated): gnomAD 0.00001; TOPMed 0.00002; ESP Exome Variant Server 0.00008.
gnomAD v4.1: 10 of 1,316,264 alleles (0.00076%); highest among the groups gnomAD compares: South Asian, 0.0036%; no homozygotes.

Submissions (3):

Ambry Genetics
Classification: Uncertain significance. Last evaluated: 2025-10-07. Review status: criteria provided, single submitter. Criteria: Ambry Variant Classification Scheme 2023. Collection method: clinical testing. Allele origin: germline.

Labcorp Genetics (formerly Invitae), Labcorp
Classification: Uncertain significance for Noonan syndrome. Last evaluated: 2024-07-30. Review status: criteria provided, single submitter. Criteria: Invitae Variant Classification Sherloc (09022015). Collection method: clinical testing. Allele origin: germline.
Comment: This sequence change replaces valine, which is neutral and non-polar, with methionine, which is neutral and non-polar, at codon 166 of the RRAS protein (p.Val166Met). This variant is not present in population databases (gnomAD no frequency). This variant has not been reported in the literature in individuals affected with RRAS-related conditions. ClinVar contains an entry for this variant (Variation ID: 1039615). An algorithm developed to predict the effect of missense changes on protein structure and function outputs the following: PolyPhen-2: "Benign". The methionine amino acid residue is found in multiple mammalian species, which suggests that this missense change does not adversely affect protein function. In summary, the available evidence is currently insufficient to determine the role of this variant in disease. Therefore, it has been classified as a Variant of Uncertain Significance.

Women's Health and Genetics/Laboratory Corporation of America, LabCorp
Classification: Uncertain significance. Last evaluated: 2021-11-07. Review status: criteria provided, single submitter. Criteria: LabCorp Variant Classification Summary - May 2015. Collection method: clinical testing. Allele origin: germline.
Comment: Variant summary: RRAS c.496G>A (p.Val166Met) results in a conservative amino acid change located in the Small GTP-binding protein domain (IPR005225) of the encoded protein sequence. Five of five in-silico tools predict a benign effect of the variant on protein function. The variant was absent in 244694 control chromosomes (gnomAD). The available data on variant occurrences in the general population are insufficient to allow any conclusion about variant significance. To our knowledge, no occurrence of c.496G>A in individuals affected with Noonan Syndrome And Related Conditions and no experimental evidence demonstrating its impact on protein function have been reported. One clinical diagnostic laboratory has submitted clinical-significance assessments for this variant to ClinVar after 2014 and classified the variant as uncertain significance. Based on the evidence outlined above, the variant was classified as uncertain significance.

NM_006270.5(RRAS):c.496G>A (p.Val166Met)

Gene: RRAS (RAS related; minus strand). Cytogenetic location: 19q13.33.
Variant type: single nucleotide variant.
Coding change: c.496G>A on transcript NM_006270.5 (MANE Select); coding-DNA position 496, G replaced by A.
Protein change: p.Val166Met; replaces valine 166 with methionine.
Molecular consequence: missense variant.
Genome position (GRCh38, 1-based): chr19:49,635,810, C>T on the plus strand (G>A on the coding strand, the complement: RRAS is on the minus strand). VCF-style: chr19-49635810-C-T. GRCh37 (hg19) VCF-style: chr19-50139067-C-T.
Other names: c.496G>A (NM_006270.3); short protein forms V166M.
Identifiers: ClinVar variation 1039615 (VCV001039615.10), dbSNP rs151171681, ClinGen allele CA309504877.